The following is an entry in ClinVar:

ClinVar aggregate classification (germline): Uncertain significance (1 of 4 stars; one submission).

Allele frequency attached by ClinVar (database versions not stated): ExAC 0.00001; gnomAD exomes 0.00001.
gnomAD v4.1: 8 of 1,613,760 alleles (0.0005%); highest among the groups gnomAD compares: Middle Eastern, 0.017%; no homozygotes.

Submission:

Labcorp Genetics (formerly Invitae), Labcorp
Classification: Uncertain significance. Last evaluated: 2023-04-04. Review status: criteria provided, single submitter. Criteria: Invitae Variant Classification Sherloc (09022015). Collection method: clinical testing. Allele origin: germline.
Comment: This variant has not been reported in the literature in individuals affected with HMCN1-related conditions. An algorithm developed to predict the effect of missense changes on protein structure and function (PolyPhen-2) suggests that this variant is likely to be disruptive. In summary, the available evidence is currently insufficient to determine the role of this variant in disease. Therefore, it has been classified as a Variant of Uncertain Significance. This variant is present in population databases (rs760682263, gnomAD 0.0009%). This sequence change replaces serine, which is neutral and polar, with phenylalanine, which is neutral and non-polar, at codon 3454 of the HMCN1 protein (p.Ser3454Phe).

NM_031935.3(HMCN1):c.10361C>T (p.Ser3454Phe)

Gene: HMCN1 (hemicentin 1; plus strand). Cytogenetic location: 1q31.1.
Variant type: single nucleotide variant.
Coding change: c.10361C>T on transcript NM_031935.3 (MANE Select); coding-DNA position 10361, C replaced by T.
Protein change: p.Ser3454Phe; replaces serine 3454 with phenylalanine.
Molecular consequence: missense variant.
Genome position (GRCh38, 1-based): chr1:186,095,309, C>T. VCF-style: chr1-186095309-C-T. GRCh37 (hg19) VCF-style: chr1-186064441-C-T.
Other names: short protein forms S3454F.
Identifiers: ClinVar variation 2881956 (VCV002881956.3), dbSNP rs760682263, ClinGen allele CA1293705.